The following is an entry in ClinVar:

NM_021956.5(GRIK2):c.634A>C (p.Lys212Gln)

Gene: GRIK2 (glutamate ionotropic receptor kainate type subunit 2; plus strand). Cytogenetic location: 6q16.3.
Variant type: single nucleotide variant.
Coding change: c.634A>C on transcript NM_021956.5 (MANE Select); coding-DNA position 634, A replaced by C.
Protein change: p.Lys212Gln; replaces lysine 212 with glutamine.
Molecular consequence: missense variant.
Genome position (GRCh38, 1-based): chr6:101,676,715, A>C. VCF-style: chr6-101676715-A-C. GRCh37 (hg19) VCF-style: chr6-102124590-A-C.
Other names: c.634A>C, p.Lys212Gln (NM_001166247.1, NM_175768.3); short protein forms K212Q.
Identifiers: ClinVar variation 5008710 (VCV005008710.1).

ClinVar aggregate classification (germline): Uncertain significance (1 of 4 stars; one submission).

Submission:

GeneDx
Classification: Uncertain significance. Last evaluated: 2026-03-08. Review status: criteria provided, single submitter. Criteria: GeneDx Variant Classification Process June 2021. Collection method: clinical testing. Allele origin: germline.
Comment: Not observed at significant frequency in large population cohorts (gnomAD); In silico analysis suggests that this missense variant does not alter protein structure/function; Has not been previously published as pathogenic or benign to our knowledge